The following is an entry in ClinVar:

ClinVar aggregate classification (germline): Uncertain significance (1 of 4 stars; one submission).

Submission:

Women's Health and Genetics/Laboratory Corporation of America, LabCorp
Classification: Uncertain significance. Last evaluated: 2022-08-10. Review status: criteria provided, single submitter. Criteria: LabCorp Variant Classification Summary - May 2015. Collection method: clinical testing. Allele origin: germline.
Comment: Variant summary: SLC7A7 c.1533_1536delCTAA (p.Asn511LysfsX7) causes a frameshift which results in an extension of the protein. The variant was absent in 251438 control chromosomes (gnomAD). The available data on variant occurrences in the general population are insufficient to allow any conclusion about variant significance. To our knowledge, no occurrence of c.1533_1536delCTAA in individuals affected with Lysinuric Protein Intolerance and no experimental evidence demonstrating its impact on protein function have been reported. No clinical diagnostic laboratories have submitted clinical-significance assessments for this variant to ClinVar after 2014. Based on the evidence outlined above, the variant was classified as uncertain significance.

NM_003982.4(SLC7A7):c.1533_1536del (p.Asn511fs)

Gene: SLC7A7 (solute carrier family 7 member 7; minus strand). Cytogenetic location: 14q11.2.
Variant type: Microsatellite.
Coding change: c.1533_1536del on transcript NM_003982.4 (MANE Select); coding-DNA positions 1533 to 1536, 4 bases deleted (CTAA; older notation c.1533_1536delCTAA).
Protein change: p.Asn511fs; shifts the reading frame from asparagine 511.
Molecular consequence: frameshift variant.
Genome position (GRCh38, 1-based): chr14:22,773,610-22,773,613, TTAG deleted on the plus strand (CTAA on the coding strand, the reverse complement: SLC7A7 is on the minus strand); deleting any 4 consecutive bases within chr14:22,773,610-22,773,617 gives the same sequence; the c. name uses the placement nearest the transcript's 3' end. VCF-style (leftmost placement, unchanged base first): chr14-22773609-TTTAG-T. GRCh37 (hg19) VCF-style: chr14-23242818-TTTAG-T.
Other names: c.1533_1536del, p.Asn511fs (NM_001126105.3, NM_001126106.4); c.1529_1532CTAA[1], p.Asn511Lysfs (NM_001126106.2); c.1533_1536delCTAA (NM_001126106.2); short protein forms N511fs.
Identifiers: ClinVar variation 1705066 (VCV001705066.1), dbSNP rs2501828675, ClinGen allele CA2580616558.